The following is an entry in ClinVar:

ClinVar aggregate classification (germline): Benign (3 of 4 stars; one submission).

Conditions:
Breast-ovarian cancer, familial, susceptibility to, 2 (BROVCA2). Also called: BRCA2 Hereditary Breast and Ovarian Cancer. Identifiers: Orphanet 145, MedGen C2675520, MONDO:0012933, OMIM 612555. Disease mechanism: loss of function.

Allele frequency attached by ClinVar (database versions not stated): gnomAD 0.00422 and 0.00442; TOPMed 0.00815; 1000 Genomes Project 0.00839; 1000 Genomes Project 30x 0.00874.
gnomAD v4.1: 674 of 152,224 alleles (0.44%); highest among the groups gnomAD compares: Admixed American, 3.8%; 28 homozygotes.

Submission:

Evidence-based Network for the Interpretation of Germline Mutant Alleles (ENIGMA)
Classification: Benign for Breast-ovarian cancer, familial, susceptibility to, 2. Last evaluated: 2016-09-28. Review status: reviewed by expert panel. Criteria: ENIGMA BRCA1/2 Classification Criteria (2015). Collection method: curation. Allele origin: germline.
Comment: Class 1 not pathogenic based on frequency >1% in an outbred sampleset. Frequency 0.0562 (Admixed American/Latino), derived from 1000 genomes (2013-05-02).

NM_000059.4(BRCA2):c.317-349A>G

Gene: BRCA2 (BRCA2 DNA repair associated; plus strand). Cytogenetic location: 13q13.1.
Variant type: single nucleotide variant.
Coding change: c.317-349A>G on transcript NM_000059.4 (MANE Select); 349 bases into the intron before coding-DNA position 317, A replaced by G.
Molecular consequence: intron variant.
Genome position (GRCh38, 1-based): chr13:32,324,727, A>G. VCF-style: chr13-32324727-A-G. GRCh37 (hg19) VCF-style: chr13-32898864-A-G.
Identifiers: ClinVar variation 264985 (VCV000264985.1), dbSNP rs11571607, ClinGen allele CA10588074.